The following is an entry in ClinVar:

NM_001040108.2(MLH3):c.443T>G (p.Val148Gly)

Gene: MLH3 (mutL homolog 3; minus strand). Cytogenetic location: 14q24.3.
Variant type: single nucleotide variant.
Coding change: c.443T>G on transcript NM_001040108.2 (MANE Select); coding-DNA position 443, T replaced by G.
Protein change: p.Val148Gly; replaces valine 148 with glycine.
Molecular consequence: missense variant.
Genome position (GRCh38, 1-based): chr14:75,049,213, A>C on the plus strand (T>G on the coding strand, the complement: MLH3 is on the minus strand). VCF-style: chr14-75049213-A-C. GRCh37 (hg19) VCF-style: chr14-75515916-A-C.
Other names: c.443T>G, p.Val148Gly (NM_014381.3); short protein forms V148G.
Identifiers: ClinVar variation 544287 (VCV000544287.12), dbSNP rs1484161045, ClinGen allele CA390450261.

ClinVar aggregate classification (germline): Uncertain significance. Review status: criteria provided, multiple submitters, no conflicts (2 of 4 stars). 2 submissions from 2 submitters: Uncertain significance (2). Last evaluated 2025-11-10.

Conditions:
Colorectal cancer, hereditary nonpolyposis, type 7. Identifiers: Orphanet 144, MedGen C1858380, MONDO:0013725, OMIM 614385.

Allele frequency attached by ClinVar (database versions not stated): gnomAD exomes 0.00001.
gnomAD v4.1: 3 of 1,614,196 alleles (0.00019%); highest among the groups gnomAD compares: Admixed American, 0.005%; no homozygotes.

Submissions (2):

Labcorp Genetics (formerly Invitae), Labcorp
Classification: Uncertain significance for Colorectal cancer, hereditary nonpolyposis, type 7. Last evaluated: 2025-11-10. Review status: criteria provided, single submitter. Criteria: Invitae Variant Classification Sherloc (09022015). Collection method: clinical testing. Allele origin: germline.
Comment: This sequence change replaces valine, which is neutral and non-polar, with glycine, which is neutral and non-polar, at codon 148 of the MLH3 protein (p.Val148Gly). This variant is present in population databases (no rsID available, gnomAD 0.009%). This variant has not been reported in the literature in individuals affected with MLH3-related conditions. ClinVar contains an entry for this variant (Variation ID: 544287). An algorithm developed to predict the effect of missense changes on protein structure and function (PolyPhen-2) suggests that this variant is likely to be disruptive. In summary, the available evidence is currently insufficient to determine the role of this variant in disease. Therefore, it has been classified as a Variant of Uncertain Significance.

Ambry Genetics
Classification: Uncertain significance. Last evaluated: 2024-07-28. Review status: criteria provided, single submitter. Criteria: Ambry Variant Classification Scheme 2023. Collection method: clinical testing. Allele origin: germline.
Comment: The p.V148G variant (also known as c.443T>G), located in coding exon 1 of the MLH3 gene, results from a T to G substitution at nucleotide position 443. The valine at codon 148 is replaced by glycine, an amino acid with dissimilar properties. This amino acid position is conserved. In addition, this alteration is predicted to be deleterious by in silico analysis. Since supporting evidence is limited at this time, the clinical significance of this alteration remains unclear.